The following is an entry in ClinVar:

NM_001927.4(DES):c.558C>G (p.Asp186Glu)

Gene: DES (desmin; plus strand). Cytogenetic location: 2q35.
Variant type: single nucleotide variant.
Coding change: c.558C>G on transcript NM_001927.4 (MANE Select); coding-DNA position 558, C replaced by G.
Protein change: p.Asp186Glu; replaces aspartic acid 186 with glutamic acid.
Molecular consequence: missense variant.
Genome position (GRCh38, 1-based): chr2:219,419,020, C>G. VCF-style: chr2-219419020-C-G. GRCh37 (hg19) VCF-style: chr2-220283742-C-G.
Other names: c.558C>G (LRG_380t1); short protein forms D186E.
Identifiers: ClinVar variation 655566 (VCV000655566.10), dbSNP rs1575013561, ClinGen allele CA350687108.

ClinVar aggregate classification (germline): Uncertain significance. Review status: criteria provided, multiple submitters, no conflicts (2 of 4 stars). 2 submissions from 2 submitters: Uncertain significance (2). Last evaluated 2024-03-13.

Conditions:
Desmin-related myofibrillar myopathy (MFM1). Also called: Desminopathy; Desmin related myopathy (former name); Desmin storage myopathy (former name); MYOFIBRILLAR MYOPATHY WITH ARRHYTHMOGENIC RIGHT VENTRICULAR CARDIOMYOPATHY; DESMIN-RELATED MYOPATHY WITH ARRHYTHMOGENIC RIGHT VENTRICULAR CARDIOMYOPATHY; Myofibrillar myopathy 1. Identifiers: Orphanet 363543, Orphanet 98909, MedGen C1832370, MONDO:0011076, OMIM 601419.

Allele frequency attached by ClinVar (database versions not stated): gnomAD exomes below 0.00001.
gnomAD v4.1: 2 of 1,543,710 alleles (0.00013%); highest among the groups gnomAD compares: Non-Finnish European, 0.00017%; no homozygotes.

Submissions (2):

Labcorp Genetics (formerly Invitae), Labcorp
Classification: Uncertain significance for Desmin-related myofibrillar myopathy. Last evaluated: 2024-03-13. Review status: criteria provided, single submitter. Criteria: Invitae Variant Classification Sherloc (09022015). Collection method: clinical testing. Allele origin: germline.
Comment: This sequence change replaces aspartic acid, which is acidic and polar, with glutamic acid, which is acidic and polar, at codon 186 of the DES protein (p.Asp186Glu). This variant is not present in population databases (gnomAD no frequency). This variant has not been reported in the literature in individuals affected with DES-related conditions. ClinVar contains an entry for this variant (Variation ID: 655566). Advanced modeling of protein sequence and biophysical properties (such as structural, functional, and spatial information, amino acid conservation, physicochemical variation, residue mobility, and thermodynamic stability) has been performed at Invitae for this missense variant, however the output from this modeling did not meet the statistical confidence thresholds required to predict the impact of this variant on DES protein function. In summary, the available evidence is currently insufficient to determine the role of this variant in disease. Therefore, it has been classified as a Variant of Uncertain Significance.

GeneDx
Classification: Uncertain significance. Last evaluated: 2018-10-23. Review status: criteria provided, single submitter. Criteria: GeneDx Variant Classification Process June 2021. Collection method: clinical testing. Allele origin: germline. Affected: yes.
Comment: Not observed in large population cohorts (Lek et al., 2016; McVean et al., 2012; Exome Variant Server); In silico analysis, which includes protein predictors and evolutionary conservation, supports a deleterious effect; Has not been previously published as pathogenic or benign to our knowledge